The following is an entry in ClinVar:

ClinVar aggregate classification (germline): Uncertain significance (1 of 4 stars; one submission).

Conditions:
Combined immunodeficiency due to DOCK8 deficiency (HIES2). Also called: HYPER-IgE RECURRENT INFECTION SYNDROME 2, AUTOSOMAL RECESSIVE; HYPER-IgE SYNDROME 2, AUTOSOMAL RECESSIVE, WITH RECURRENT INFECTIONS; HIES autosomal recessive; Hyper-IgE recurrent infection syndrome, autosomal recessive; DOCK8 Deficiency. Identifiers: Orphanet 217390, MedGen C4722305, MONDO:0009478, OMIM 243700.

gnomAD v4.1: 7 of 1,614,082 alleles (0.00043%); highest among the groups gnomAD compares: East Asian, 0.011%; no homozygotes.

Submission:

Labcorp Genetics (formerly Invitae), Labcorp
Classification: Uncertain significance for Combined immunodeficiency due to DOCK8 deficiency. Last evaluated: 2024-06-23. Review status: criteria provided, single submitter. Criteria: Invitae Variant Classification Sherloc (09022015). Collection method: clinical testing. Allele origin: germline.
Comment: This sequence change replaces lysine, which is basic and polar, with arginine, which is basic and polar, at codon 1753 of the DOCK8 protein (p.Lys1753Arg). This variant is present in population databases (rs771651682, gnomAD 0.01%). This variant has not been reported in the literature in individuals affected with DOCK8-related conditions. Advanced modeling of protein sequence and biophysical properties (such as structural, functional, and spatial information, amino acid conservation, physicochemical variation, residue mobility, and thermodynamic stability) performed at Invitae indicates that this missense variant is not expected to disrupt DOCK8 protein function with a negative predictive value of 80%. In summary, the available evidence is currently insufficient to determine the role of this variant in disease. Therefore, it has been classified as a Variant of Uncertain Significance.

NM_203447.4(DOCK8):c.5258A>G (p.Lys1753Arg)

Gene: DOCK8 (dedicator of cytokinesis 8; plus strand). Cytogenetic location: 9p24.3.
Variant type: single nucleotide variant.
Coding change: c.5258A>G on transcript NM_203447.4 (MANE Select); coding-DNA position 5258, A replaced by G.
Protein change: p.Lys1753Arg; replaces lysine 1753 with arginine.
Molecular consequence: missense variant.
Genome position (GRCh38, 1-based): chr9:441,320, A>G. VCF-style: chr9-441320-A-G. GRCh37 (hg19) VCF-style: chr9-441320-A-G.
Other names: c.4958A>G, p.Lys1653Arg (NM_001190458.2); c.5054A>G, p.Lys1685Arg (NM_001193536.2); short protein forms K1653R, K1753R, K1685R.
Identifiers: ClinVar variation 3701436 (VCV003701436.2).